The following is an entry in ClinVar:

NM_000512.5(GALNS):c.925G>A (p.Gly309Arg)

Gene: GALNS (galactosamine (N-acetyl)-6-sulfatase; minus strand). Cytogenetic location: 16q24.3.
Variant type: single nucleotide variant.
Coding change: c.925G>A on transcript NM_000512.5 (MANE Select); coding-DNA position 925, G replaced by A.
Protein change: p.Gly309Arg; replaces glycine 309 with arginine.
Molecular consequence: missense variant.
Genome position (GRCh38, 1-based): chr16:88,832,075, C>T on the plus strand (G>A on the coding strand, the complement: GALNS is on the minus strand). VCF-style: chr16-88832075-C-T. GRCh37 (hg19) VCF-style: chr16-88898483-C-T.
Other names: c.370G>A, p.Gly124Arg (NM_001323543.2); c.943G>A, p.Gly315Arg (NM_001323544.2); short protein forms G124R, G309R, G315R.
Identifiers: ClinVar variation 1048218 (VCV001048218.3), dbSNP rs2142999191, ClinGen allele CA397101387.

ClinVar aggregate classification (germline): Uncertain significance (1 of 4 stars; one submission).

Conditions:
Mucopolysaccharidosis, MPS-IV-A (MPS4A). Also called: Mucopolysaccharidosis type IV A; Mucopolysaccharidosis Type IVA; Morquio syndrome A, mild; MORQUIO SYNDROME A; MPS IVA; mucopolysaccharidosis type 4A. Identifiers: Orphanet 309297, Orphanet 582, MedGen C0086651, MONDO:0009659, OMIM 253000.

gnomAD v4.1: 7 of 1,613,900 alleles (0.00043%); highest among the groups gnomAD compares: Non-Finnish European, 0.00059%; no homozygotes.

Submission:

Laboratory of Diagnosis and Therapy of Lysosomal Disorders, University of Padova
Classification: Uncertain significance for Mucopolysaccharidosis, MPS-IV-A. Last evaluated: 2021-02-01. Review status: criteria provided, single submitter. Criteria: ACMG Guidelines, 2015. Collection method: curation. Allele origin: germline. Affected: yes.
Comment: In vitro functional studies supportive of a damaging effect on the gene product (low in vitro enzymatic activity; PS3_supporting); absent from gnomAD v2.1.1 (PM2_moderate); multiple lines of computational evidence support a deleterious effect on the gene (PP3_supporting)

Literature cited by the submitters: PubMed 16287098; PubMed 24726177; PubMed 34387910.